The following is an entry in ClinVar:

NM_000143.4(FH):c.417G>A (p.Val139=)

Gene: FH (fumarate hydratase; minus strand). Cytogenetic location: 1q43.
Variant type: single nucleotide variant.
Coding change: c.417G>A on transcript NM_000143.4 (MANE Select); coding-DNA position 417, G replaced by A.
Protein change: p.Val139=; no amino-acid change (valine 139 retained).
Molecular consequence: synonymous variant.
Genome position (GRCh38, 1-based): chr1:241,512,105, C>T on the plus strand (G>A on the coding strand, the complement: FH is on the minus strand). VCF-style: chr1-241512105-C-T. GRCh37 (hg19) VCF-style: chr1-241675405-C-T.
Identifiers: ClinVar variation 573543 (VCV000573543.14), dbSNP rs768341401, ClinGen allele CA1478682.

ClinVar aggregate classification (germline): Conflicting classifications of pathogenicity. Review status: criteria provided, conflicting classifications (1 of 4 stars). 5 submissions from 5 submitters: Uncertain significance (3); Likely benign (2). Last evaluated 2025-08-25.

Conditions:
Fumarase deficiency (FMRD). Also called: Fumaric aciduria; Fumarate Hydratase Deficiency. Identifiers: Orphanet 24, MedGen C0342770, MONDO:0011730, OMIM 606812.
Hereditary cancer-predisposing syndrome. Also called: Hereditary neoplastic syndrome; Neoplastic Syndromes, Hereditary; Hereditary Cancer Syndrome; Tumor predisposition. Identifiers: Orphanet 140162, MedGen C0027672, MeSH D009386, MONDO:0015356.

Allele frequency attached by ClinVar (database versions not stated): gnomAD exomes below 0.00001 and 0.00001; ExAC 0.00002.
gnomAD v4.1: 2 of 1,613,788 alleles (0.00012%); highest among the groups gnomAD compares: Non-Finnish European, 0.00017%; no homozygotes.

Submissions (5):

Labcorp Genetics (formerly Invitae), Labcorp
Classification: Likely benign. Last evaluated: 2025-08-25. Review status: criteria provided, single submitter. Criteria: Invitae Variant Classification Sherloc (09022015). Collection method: clinical testing. Allele origin: germline.

Ambry Genetics
Classification: Likely benign for Hereditary cancer-predisposing syndrome. Last evaluated: 2025-02-03. Review status: criteria provided, single submitter. Criteria: Ambry Variant Classification Scheme 2023. Collection method: clinical testing. Allele origin: germline.

Quest Diagnostics Nichols Institute San Juan Capistrano
Classification: Uncertain significance. Last evaluated: 2023-07-19. Review status: criteria provided, single submitter. Criteria: Quest Diagnostics criteria. Collection method: clinical testing. Allele origin: unknown.
Comment: This variant has not been reported as a germline variant in individuals with FH-related conditions in the published literature. The frequency of this variant in the general population, 0.000008 (2/250992 chromosomes (Genome Aggregation Database)), is uninformative in the assessment of its pathogenicity. Analysis of this variant using software algorithms for the prediction of the effect of nucleotide changes on FH mRNA splicing yielded predictions that this variant may result in the gain of a cryptic splice site without affecting the natural splice sites . Based on the available information, we are unable to determine the clinical significance of this variant.

Baylor Genetics
Classification: Uncertain significance for Fumarase deficiency. Last evaluated: 2023-05-15. Review status: criteria provided, single submitter. Criteria: ACMG Guidelines, 2015. Collection method: clinical testing. Allele origin: unknown.

GeneDx
Classification: Uncertain significance. Last evaluated: 2022-08-16. Review status: criteria provided, single submitter. Criteria: GeneDx Variant Classification Process June 2021. Collection method: clinical testing. Allele origin: germline. Affected: yes.
Comment: Not observed at significant frequency in large population cohorts (gnomAD); In silico analysis supports a deleterious effect on splicing; Has not been previously published as pathogenic or benign to our knowledge

Literature cited by the submitters: PubMed 32612247 (cited by Quest Diagnostics Nichols Institute San Juan Capistrano).